The following is an entry in ClinVar:

NM_013275.6(ANKRD11):c.2292G>A (p.Glu764=)

Gene: ANKRD11 (ankyrin repeat domain 11; minus strand). Cytogenetic location: 16q24.3.
Variant type: single nucleotide variant.
Coding change: c.2292G>A on transcript NM_013275.6 (MANE Select); coding-DNA position 2292, G replaced by A.
Protein change: p.Glu764=; no amino-acid change (glutamic acid 764 retained).
Molecular consequence: synonymous variant.
Genome position (GRCh38, 1-based): chr16:89,284,250, C>T on the plus strand (G>A on the coding strand, the complement: ANKRD11 is on the minus strand). VCF-style: chr16-89284250-C-T. GRCh37 (hg19) VCF-style: chr16-89350658-C-T.
Other names: c.2292G>A, p.Glu764= (NM_001256182.2, NM_001256183.2); c.2292G>A (NM_013275.4).
Identifiers: ClinVar variation 707161 (VCV000707161.41), dbSNP rs149626938, ClinGen allele CA8242606.
Genomic context (GRCh38, chr16:89,284,250, plus strand): 5'-CTCTTTTAAATCATTCTTCTTCTCTAATTTTGAGGGCCGGTCTTTTGATTTCTTCTTTCT[C>T]TCCTCTTTGTACAGTCTCAGTTTTTCTTCTTTCGGAGACTTTTCCTTCAGCGATCTCTCC-3'
Protein context (NP_037407.4, residues 754-774): KEEKLRLYKE[Glu764=]RKKKSKDRPS

ClinVar aggregate classification (germline): Benign/Likely benign. Review status: criteria provided, multiple submitters, no conflicts (2 of 4 stars). 8 submissions from 8 submitters: Benign (4); Likely benign (4). Last evaluated 2026-05-12.

Conditions:
Inborn genetic diseases. Identifiers: MedGen C0950123, MeSH D030342.
KBG syndrome (KBGS). Also called: ANKRD11-Related KBG Syndrome. Identifiers: Orphanet 2332, MedGen C0220687, MONDO:0007846, OMIM 148050.

Allele frequency attached by ClinVar (database versions not stated): 1000 Genomes Project 30x 0.00016; 1000 Genomes Project 0.00020; TOPMed 0.00054; gnomAD 0.00062 and 0.00064; gnomAD exomes 0.00064 and 0.00075; ExAC 0.00074; ESP Exome Variant Server 0.00092.
gnomAD v4.1: 1,022 of 1,613,498 alleles (0.063%); highest among the groups gnomAD compares: Non-Finnish European, 0.069%; 2 homozygotes.

Submissions (8):

Women's Health and Genetics/Laboratory Corporation of America, LabCorp
Classification: Benign. Last evaluated: 2026-05-12. Review status: criteria provided, single submitter. Criteria: LabCorp Variant Classification Summary - May 2015. Collection method: clinical testing. Allele origin: germline.

CeGaT Center for Human Genetics Tuebingen
Classification: Likely benign. Last evaluated: 2026-02-01. Review status: criteria provided, single submitter. Criteria: CeGaT Center For Human Genetics Tuebingen Variant Classification Criteria Version 2. Collection method: clinical testing. Allele origin: germline. Affected: yes. Observed: 19 variant alleles.
Comment: ANKRD11: BP4, BP7

Labcorp Genetics (formerly Invitae), Labcorp
Classification: Benign for KBG syndrome. Last evaluated: 2026-01-12. Review status: criteria provided, single submitter. Criteria: Invitae Variant Classification Sherloc (09022015). Collection method: clinical testing. Allele origin: germline.

Laboratory of Genetics, Children's Clinical University Hospital Latvia
Classification: Likely benign. Last evaluated: 2025-02-16. Review status: criteria provided, single submitter. Criteria: ACMG Guidelines, 2015. Collection method: clinical testing. Allele origin: germline. Affected: yes.

Blueprint Genetics
Classification: Likely benign. Last evaluated: 2024-11-25. Review status: criteria provided, single submitter. Criteria: ACMG Guidelines, 2015. Collection method: clinical testing. Allele origin: germline.

Genome-Nilou Lab
Classification: Benign for KBG syndrome. Last evaluated: 2021-12-05. Review status: criteria provided, single submitter. Criteria: ACMG Guidelines, 2015. Collection method: clinical testing. Allele origin: germline. Affected: no.

GeneDx
Classification: Benign. Last evaluated: 2019-05-31. Review status: criteria provided, single submitter. Criteria: GeneDx Variant Classification Process June 2021. Collection method: clinical testing. Allele origin: germline. Affected: yes.

Ambry Genetics
Classification: Likely benign for Inborn genetic diseases. Last evaluated: 2017-05-31. Review status: criteria provided, single submitter. Criteria: Ambry Variant Classification Scheme 2023. Collection method: clinical testing. Allele origin: germline.